The following is an entry in ClinVar:

NM_001206927.2(DNAH8):c.12718C>T (p.Arg4240Cys)

Gene: DNAH8 (dynein axonemal heavy chain 8; plus strand). Cytogenetic location: 6p21.2.
Variant type: single nucleotide variant.
Coding change: c.12718C>T on transcript NM_001206927.2 (MANE Select); coding-DNA position 12718, C replaced by T.
Protein change: p.Arg4240Cys; replaces arginine 4240 with cysteine.
Molecular consequence: missense variant.
Genome position (GRCh38, 1-based): chr6:38,974,413, C>T. VCF-style: chr6-38974413-C-T. GRCh37 (hg19) VCF-style: chr6-38942189-C-T.
Other names: c.12067C>T, p.Arg4023Cys (NM_001371.4); short protein forms R4240C, R4023C.
Identifiers: ClinVar variation 2053255 (VCV002053255.2), dbSNP rs569195029, ClinGen allele CA3791447.
Genomic context (GRCh38, chr6:38,974,413, plus strand): 5'-ACTGTTTTCTTTTCATGACAGACCTCTCTCAAATTCACTAATGAGCCACCCCAAGGTGTA[C>T]GCGCAGGTTTGAAAAGAACATTTGCTGGAATTAATCAAGACCTTCTGGACATCAGTAATT-3'
Protein context (NP_001193856.1, residues 4230-4250): KFTNEPPQGV[Arg4240Cys]AGLKRTFAGI

ClinVar aggregate classification (germline): Uncertain significance (1 of 4 stars; one submission).

Conditions:
Primary ciliary dyskinesia. Also called: Ciliary dyskinesia. Identifiers: Orphanet 244, MedGen C0008780, MONDO:0016575, HP:0012265.

Allele frequency attached by ClinVar (database versions not stated): gnomAD 0.00001; ExAC 0.00002; 1000 Genomes Project 0.00020; 1000 Genomes Project 30x 0.00031.
gnomAD v4.1: 16 of 1,613,884 alleles (0.00099%); highest among the groups gnomAD compares: African/African-American, 0.0027%; no homozygotes.

Submission:

Labcorp Genetics (formerly Invitae), Labcorp
Classification: Uncertain significance for Primary ciliary dyskinesia. Last evaluated: 2022-11-16. Review status: criteria provided, single submitter. Criteria: Invitae Variant Classification Sherloc (09022015). Collection method: clinical testing. Allele origin: germline.
Comment: In summary, the available evidence is currently insufficient to determine the role of this variant in disease. Therefore, it has been classified as a Variant of Uncertain Significance. Advanced modeling of protein sequence and biophysical properties (such as structural, functional, and spatial information, amino acid conservation, physicochemical variation, residue mobility, and thermodynamic stability) performed at Invitae indicates that this missense variant is not expected to disrupt DNAH8 protein function. This variant has not been reported in the literature in individuals affected with DNAH8-related conditions. This variant is present in population databases (rs569195029, gnomAD 0.003%). This sequence change replaces arginine, which is basic and polar, with cysteine, which is neutral and slightly polar, at codon 4240 of the DNAH8 protein (p.Arg4240Cys).